The following is an entry in ClinVar:

ClinVar aggregate classification (germline): Pathogenic/Likely pathogenic. Review status: criteria provided, multiple submitters, no conflicts (2 of 4 stars). 2 submissions from 2 submitters: Pathogenic (1); Likely pathogenic (1). Last evaluated 2023-05-08.

Allele frequency attached by ClinVar (database versions not stated): TOPMed 0.00001.
gnomAD v4.1: 1 of 1,608,704 alleles (0.000062%); highest among the groups gnomAD compares: Non-Finnish European, 0.000085%; no homozygotes.

Submissions (2):

Labcorp Genetics (formerly Invitae), Labcorp
Classification: Pathogenic. Last evaluated: 2023-05-08. Review status: criteria provided, single submitter. Criteria: Invitae Variant Classification Sherloc (09022015). Collection method: clinical testing. Allele origin: germline.
Comment: This variant is not present in population databases (gnomAD no frequency). This sequence change replaces serine, which is neutral and polar, with arginine, which is basic and polar, at codon 728 of the ABCA4 protein (p.Ser728Arg). This missense change has been observed in individual(s) with Stargardt disease (PMID: 32531858; Invitae). For these reasons, this variant has been classified as Pathogenic. Advanced modeling of protein sequence and biophysical properties (such as structural, functional, and spatial information, amino acid conservation, physicochemical variation, residue mobility, and thermodynamic stability) performed at Invitae indicates that this missense variant is expected to disrupt ABCA4 protein function. ClinVar contains an entry for this variant (Variation ID: 444171).

CeGaT Center for Human Genetics Tuebingen
Classification: Likely pathogenic. Last evaluated: 2023-02-01. Review status: criteria provided, single submitter. Criteria: CeGaT Center For Human Genetics Tuebingen Variant Classification Criteria Version 2. Collection method: clinical testing. Allele origin: germline. Affected: yes. Observed: 1 variant allele.
Comment: ABCA4: PM2, PM3, PP3, PP4

Literature cited by the submitters: PubMed 32531858 (cited by Labcorp Genetics (formerly Invitae), Labcorp).

NM_000350.3(ABCA4):c.2184C>A (p.Ser728Arg)

Gene: ABCA4 (ATP binding cassette subfamily A member 4; minus strand). Cytogenetic location: 1p22.1.
Variant type: single nucleotide variant.
Coding change: c.2184C>A on transcript NM_000350.3 (MANE Select); coding-DNA position 2184, C replaced by A.
Protein change: p.Ser728Arg; replaces serine 728 with arginine.
Molecular consequence: missense variant.
Genome position (GRCh38, 1-based): chr1:94,056,799, G>T on the plus strand (C>A on the coding strand, the complement: ABCA4 is on the minus strand). VCF-style: chr1-94056799-G-T. GRCh37 (hg19) VCF-style: chr1-94522355-G-T.
Other names: short protein forms S728R.
Identifiers: ClinVar variation 444171 (VCV000444171.35), dbSNP rs776910485, ClinGen allele CA341278075.
Genomic context (GRCh38, chr1:94,056,799, plus strand): 5'-GCACAGCATGATGGTGGCAGTGGAGAAAGCCAACAAGAACAGGAAGAGGATGAATGGGTC[G>T]CTGTAATGTAGGATTCTTCCATGCTGAAACCAAGAGGCCATGCGTCAGTAACTCCTGCCC-3'
Protein context (NP_000341.2, residues 718-738): FIMHGRILHY[Ser728Arg]DPFILFLFLL